The following is an entry in ClinVar:

ClinVar aggregate classification (germline): Likely benign (1 of 4 stars; one submission).

Conditions:
Parkinson Disease, Dominant/Recessive.

Allele frequency attached by ClinVar (database versions not stated): ESP Exome Variant Server 0.00008; gnomAD 0.00017 and 0.00021; TOPMed 0.00021; gnomAD exomes 0.00025 and 0.00029; ExAC 0.00033.
gnomAD v4.1: 388 of 1,587,244 alleles (0.024%); highest among the groups gnomAD compares: Admixed American, 0.033%; no homozygotes.

Submission:

Illumina Laboratory Services, Illumina
Classification: Likely benign for Parkinson Disease, Dominant/Recessive. Last evaluated: 2018-01-12. Review status: criteria provided, single submitter. Criteria: ICSL Variant Classification Criteria 13 December 2019. Collection method: clinical testing. Allele origin: germline.
Comment: This variant was observed in the ICSL laboratory as part of a predisposition screen in an ostensibly healthy population. It had not been previously curated by ICSL or reported in the Human Gene Mutation Database (HGMD: prior to June 1st, 2018), and was therefore a candidate for classification through an automated scoring system. Utilizing variant allele frequency, disease prevalence and penetrance estimates, and inheritance mode, an automated score was calculated to assess if this variant is too frequent to cause the disease. Based on the score and internal cut-off values, a variant classified as likely benign is not then subjected to further curation. The score for this variant resulted in a classification of likely benign for this disease.

NM_005460.4(SNCAIP):c.-26G>A

Gene: SNCAIP (synuclein alpha interacting protein; plus strand). Cytogenetic location: 5q23.2.
Variant type: single nucleotide variant.
Coding change: c.-26G>A on transcript NM_005460.4 (MANE Select); 26 bases upstream of the start codon, G replaced by A.
Molecular consequence: 5 prime UTR variant. On other transcripts: non-coding transcript variant (2).
Genome position (GRCh38, 1-based): chr5:122,391,109, G>A. VCF-style: chr5-122391109-G-A. GRCh37 (hg19) VCF-style: chr5-121726804-G-A.
Other names: c.-72G>A (NM_001242935.3, NM_001308107.2, NM_001308108.1 and 1 more transcripts); c.-26G>A (NM_001308100.2, NM_001308105.1); c.-219G>A (NM_001308106.1).
Identifiers: ClinVar variation 907795 (VCV000907795.4), dbSNP rs369556081, ClinGen allele CA3384518.
Genomic context (GRCh38, chr5:122,391,109, plus strand): 5'-AAATTTTTTTGCCTTTCTTTTCTGCTTCTGTCTCGTTCAGGAATTTATAAGTATTTGACC[G>A]TACTCAAAATGTGCAAGGAAGAATAATGGAAGCCCCTGAATACCTTGATTTGGATGAAAT-3'